The following is an entry in ClinVar:

ClinVar aggregate classification (germline): Uncertain significance (1 of 4 stars; one submission).

gnomAD v4.1: 3 of 1,614,016 alleles (0.00019%); highest among the groups gnomAD compares: Non-Finnish European, 0.00025%; no homozygotes.

Submission:

GeneDx
Classification: Uncertain significance. Last evaluated: 2025-07-15. Review status: criteria provided, single submitter. Criteria: GeneDx Variant Classification Process June 2021. Collection method: clinical testing. Allele origin: germline.
Comment: Not observed at significant frequency in large population cohorts (gnomAD); In silico analysis suggests that this missense variant does not alter protein structure/function; Has not been previously published as pathogenic or benign to our knowledge

NM_022124.6(CDH23):c.9013G>A (p.Ala3005Thr)

Gene: CDH23 (cadherin related 23; plus strand). Cytogenetic location: 10q22.1.
Variant type: single nucleotide variant.
Coding change: c.9013G>A on transcript NM_022124.6 (MANE Select); coding-DNA position 9013, G replaced by A.
Protein change: p.Ala3005Thr; replaces alanine 3005 with threonine.
Molecular consequence: missense variant.
Genome position (GRCh38, 1-based): chr10:71,810,505, G>A. VCF-style: chr10-71810505-G-A. GRCh37 (hg19) VCF-style: chr10-73570262-G-A.
Other names: c.2293G>A, p.Ala765Thr (NM_001171933.1, NM_001171934.1); short protein forms A3005T, A765T.
Identifiers: ClinVar variation 3381548 (VCV003381548.2).
Genomic context (GRCh38, chr10:71,810,505, plus strand): 5'-CACCCTACAATACCCCTTCTCATCTAGTTCCATGTGGACAAGAAGGGCCGGGTGAACTTT[G>A]CGCAGACAGAACTGCTTATCCACGTGGTGAACCGCGATACCAACCGCATCCTGGACGTGG-3'
Protein context (NP_071407.4, residues 2995-3015): HVDKKGRVNF[Ala3005Thr]QTELLIHVVN